The following is an entry in ClinVar:

ClinVar aggregate classification (germline): Likely benign (1 of 4 stars; one submission).

Allele frequency attached by ClinVar (database versions not stated): TOPMed below 0.00001.

Submission:

CeGaT Center for Human Genetics Tuebingen
Classification: Likely benign. Last evaluated: 2023-11-01. Review status: criteria provided, single submitter. Criteria: CeGaT Center For Human Genetics Tuebingen Variant Classification Criteria Version 2. Collection method: clinical testing. Allele origin: germline. Affected: yes. Observed: 1 variant allele.
Comment: IRS4: BP4

NM_001379150.1(IRS4):c.2852C>T (p.Pro951Leu)

Gene: IRS4 (insulin receptor substrate 4; minus strand). Cytogenetic location: Xq22.3.
Variant type: single nucleotide variant.
Coding change: c.2852C>T on transcript NM_001379150.1 (MANE Select); coding-DNA position 2852, C replaced by T.
Protein change: p.Pro951Leu; replaces proline 951 with leucine.
Molecular consequence: missense variant.
Genome position (GRCh38, 1-based): chrX:108,733,493, G>A on the plus strand (C>T on the coding strand, the complement: IRS4 is on the minus strand). VCF-style: chrX-108733493-G-A. GRCh37 (hg19) VCF-style: chrX-107976723-G-A.
Other names: c.2852C>T, p.Pro951Leu (NM_003604.2); short protein forms P951L.
Identifiers: ClinVar variation 2673253 (VCV002673253.23), dbSNP rs28712105, ClinGen allele CA10489606.
Genomic context (GRCh38, chrX:108,733,493, plus strand): 5'-GGATTTGGAAATGGCACTCCAAACTCAACATTCACATAATTAGAAAAGGCTGACTGTCTG[G>A]GTTCAGCAATTATGCCCCACGAATCTGGTAGTCCTTGAGTAGAGGGAGCTGGTGTATTGC-3'
Protein context (NP_001366079.1, residues 941-961): LPDSWGIIAE[Pro951Leu]RQSAFSNYVN